The following is an entry in ClinVar:

NM_012309.5(SHANK2):c.4757C>T (p.Pro1586Leu)

Gene: SHANK2 (SH3 and multiple ankyrin repeat domains 2; minus strand). Cytogenetic location: 11q13.3.
Variant type: single nucleotide variant.
Coding change: c.4757C>T on transcript NM_012309.5 (MANE Select); coding-DNA position 4757, C replaced by T.
Protein change: p.Pro1586Leu; replaces proline 1586 with leucine.
Molecular consequence: missense variant.
Genome position (GRCh38, 1-based): chr11:70,485,536, G>A on the plus strand (C>T on the coding strand, the complement: SHANK2 is on the minus strand). VCF-style: chr11-70485536-G-A. GRCh37 (hg19) VCF-style: chr11-70331641-G-A.
Other names: c.3620C>T, p.Pro1207Leu (NM_001379226.1); c.2993C>T, p.Pro998Leu (NM_133266.5); short protein forms P1586L, P998L, P1207L.
Identifiers: ClinVar variation 436713 (VCV000436713.31), dbSNP rs141276059, ClinGen allele CA6160862.

ClinVar aggregate classification (germline): Likely benign. Review status: criteria provided, multiple submitters, no conflicts (2 of 4 stars). 3 submissions from 3 submitters: Likely benign (3). Last evaluated 2026-07-01.

Allele frequency attached by ClinVar (database versions not stated): gnomAD 0.00045 and 0.00048; ESP Exome Variant Server 0.00046; gnomAD exomes 0.00051 and 0.00075; TOPMed 0.00058; 1000 Genomes Project 0.00080; ExAC 0.00086; 1000 Genomes Project 30x 0.00109.
gnomAD v4.1: 826 of 1,612,818 alleles (0.051%); highest among the groups gnomAD compares: Middle Eastern, 0.59%; 1 homozygote.

Submissions (3):

CeGaT Center for Human Genetics Tuebingen
Classification: Likely benign. Last evaluated: 2026-07-01. Review status: criteria provided, single submitter. Criteria: CeGaT Center For Human Genetics Tuebingen Variant Classification Criteria Version 2. Collection method: clinical testing. Allele origin: germline. Affected: yes. Observed: 11 variant alleles.
Comment: SHANK2: BS1

Genetic Services Laboratory, University of Chicago
Classification: Likely benign. Last evaluated: 2015-11-18. Review status: criteria provided, single submitter. Criteria: ACMG Guidelines, 2015. Collection method: clinical testing. Allele origin: germline. Affected: no.

Breakthrough Genomics
Classification: Likely benign. Review status: criteria provided, single submitter. Criteria: ACMG Guidelines, 2015. Collection method: not provided. Allele origin: germline. Inheritance: Unknown mechanism. Affected: yes.